The following is an entry in ClinVar:

NC_012920.1(MT-CO1):m.6264G>A

Gene: MT-CO1 (mitochondrially encoded cytochrome c oxidase I; plus strand).
Variant type: single nucleotide variant.
Genome position: chrM-6264-G-A.
Other names: G121*.
Identifiers: ClinVar variation 9667 (VCV000009667.2), dbSNP rs267606882, ClinGen allele CA250584.

ClinVar aggregate classification (germline): Uncertain significance. Review status: criteria provided, single submitter (1 of 4 stars). 2 submissions from 2 submitters: Uncertain significance (1). 1 of the submissions does not count toward it. Last evaluated 2019-10-17.

Conditions:
Leigh syndrome (NULS). Also called: Leigh Disease; LEIGH SYNDROME, NUCLEAR; Leigh Syndrome (mtDNA deletion); Leigh's necrotizing encephalopathy; Leigh's disease; Leigh's syndrome. Identifiers: Orphanet 506, MedGen C2931891, MONDO:0009723, OMIM 256000.
Familial colorectal cancer. Identifiers: MedGen CN280943, MONDO:0023113. Disease mechanism: loss of function.

Submissions (2):

Wong Mito Lab, Molecular and Human Genetics, Baylor College of Medicine
Classification: Uncertain significance for Leigh syndrome. Last evaluated: 2019-10-17. Review status: criteria provided, single submitter. Criteria: Modified ACMG Guidelines (Unpublished). Collection method: clinical testing. Allele origin: germline.
Comment: The NC_012920.1:m.6264G>A (YP_003024028.1:p.Gly121Ter) variant in MTCO1 gene is interpretated to be a Uncertain Significance variant based on the modified ACMG guidelines (unpublished). This variant meets the following evidence codes: no criteria

OMIM
Classification: Pathogenic for COLORECTAL CANCER. Last evaluated: 1998-11-01. Review status: no assertion criteria provided. Collection method: literature only. Allele origin: germline. Not counted in ClinVar's aggregate classification.

Literature cited by the submitters: PubMed 13298683 (cited by OMIM); PubMed 9806551 (cited by OMIM).